The following is an entry in ClinVar:

NM_001131016.2(CIZ1):c.353C>T (p.Thr118Ile)

Gene: CIZ1 (CDKN1A interacting zinc finger protein 1; minus strand). Cytogenetic location: 9q34.11.
Variant type: single nucleotide variant.
Coding change: c.353C>T on transcript NM_001131016.2 (MANE Select); coding-DNA position 353, C replaced by T.
Protein change: p.Thr118Ile; replaces threonine 118 with isoleucine.
Molecular consequence: missense variant. On other transcripts: intron variant (1).
Genome position (GRCh38, 1-based): chr9:128,187,868, G>A on the plus strand (C>T on the coding strand, the complement: CIZ1 is on the minus strand). VCF-style: chr9-128187868-G-A. GRCh37 (hg19) VCF-style: chr9-130950147-G-A.
Other names: c.353C>T, p.Thr118Ile (NM_001131015.2, NM_001131017.2, NM_012127.3); c.443C>T, p.Thr148Ile (NM_001257975.2); c.50C>T, p.Thr17Ile (NM_001257976.2); c.287-2092C>T (NM_001131018.2); short protein forms T118I, T148I, T17I.
Identifiers: ClinVar variation 406207 (VCV000406207.8), dbSNP rs371329389, ClinGen allele CA5257614.
Genomic context (GRCh38, chr9:128,187,868, plus strand): 5'-AACTTAATTATATGTATATATACATTTATATATATATATAAAAAGCATATAATACCCAGT[G>A]TTGCTGTGGGCATGGTGAGACCGGCAGTGTCATACGTGGCTGGTGGCATTGCAAACTGGT-3'
Protein context (NP_001124488.1, residues 108-128): DTAGLTMPTA[Thr118Ile]LGNLRGYGMA

ClinVar aggregate classification (germline): Uncertain significance (1 of 4 stars; one submission).

Conditions:
Dystonic disorder. Also called: Dystonia. Identifiers: MedGen C0013421, MONDO:0003441, HP:0001332.

Allele frequency attached by ClinVar (database versions not stated): gnomAD exomes 0.00004 and 0.00007; ExAC 0.00007; gnomAD 0.00007; ESP Exome Variant Server 0.00008; TOPMed 0.00008.
gnomAD v4.1: 50 of 730,282 alleles (0.0068%); highest among the groups gnomAD compares: Non-Finnish European, 0.012%; no homozygotes.

Submission:

Labcorp Genetics (formerly Invitae), Labcorp
Classification: Uncertain significance for Dystonic disorder. Last evaluated: 2024-08-16. Review status: criteria provided, single submitter. Criteria: Invitae Variant Classification Sherloc (09022015). Collection method: clinical testing. Allele origin: germline.
Comment: This sequence change replaces threonine, which is neutral and polar, with isoleucine, which is neutral and non-polar, at codon 118 of the CIZ1 protein (p.Thr118Ile). This variant is present in population databases (rs371329389, gnomAD 0.01%). This variant has not been reported in the literature in individuals affected with CIZ1-related conditions. ClinVar contains an entry for this variant (Variation ID: 406207). An algorithm developed to predict the effect of missense changes on protein structure and function (PolyPhen-2) suggests that this variant is likely to be tolerated. In summary, the available evidence is currently insufficient to determine the role of this variant in disease. Therefore, it has been classified as a Variant of Uncertain Significance.